The following is an entry in ClinVar:

ClinVar aggregate classification (germline): Uncertain significance (1 of 4 stars; one submission).

Conditions:
Cardiovascular phenotype. Identifiers: MedGen CN230736.

Submission:

Ambry Genetics
Classification: Uncertain significance for Cardiovascular phenotype. Last evaluated: 2025-04-14. Review status: criteria provided, single submitter. Criteria: Ambry Variant Classification Scheme 2023. Collection method: clinical testing. Allele origin: germline.
Comment: The p.T2896A variant (also known as c.8686A>G), located in coding exon 24 of the TNXB gene, results from an A to G substitution at nucleotide position 8686. The threonine at codon 2896 is replaced by alanine, an amino acid with similar properties. This amino acid position is conserved. In addition, this alteration is predicted to be tolerated by in silico analysis. Based on the available evidence, the clinical significance of this variant remains unclear.

NM_001365276.2(TNXB):c.8692A>G (p.Thr2898Ala)

Gene: TNXB (tenascin XB; minus strand). Cytogenetic location: 6p21.33.
Variant type: single nucleotide variant.
Coding change: c.8692A>G on transcript NM_001365276.2 (MANE Select); coding-DNA position 8692, A replaced by G.
Protein change: p.Thr2898Ala; replaces threonine 2898 with alanine.
Molecular consequence: missense variant.
Genome position (GRCh38, 1-based): chr6:32,053,487, T>C on the plus strand (A>G on the coding strand, the complement: TNXB is on the minus strand). VCF-style: chr6-32053487-T-C. GRCh37 (hg19) VCF-style: chr6-32021264-T-C.
Other names: c.9433A>G, p.Thr3145Ala (NM_001428335.1); c.8686A>G, p.Thr2896Ala (NM_019105.8); short protein forms T3145A, T2896A, T2898A.
Identifiers: ClinVar variation 3971998 (VCV003971998.1).